The following is an entry in ClinVar:

ClinVar aggregate classification (germline): Benign/Likely benign. Review status: criteria provided, multiple submitters, no conflicts (2 of 4 stars). 3 submissions from 3 submitters: Benign (1); Likely benign (1). 1 of the submissions does not count toward it. Last evaluated 2025-08-03.

Conditions:
ADCY3-related disorder. Also called: ADCY3-related condition.

Allele frequency attached by ClinVar (database versions not stated): gnomAD exomes 0.00029; ExAC 0.00035; 1000 Genomes Project 30x 0.00062; 1000 Genomes Project 0.00080; gnomAD 0.00086; TOPMed 0.00087; ESP Exome Variant Server 0.00092.
gnomAD v4.1: 275 of 1,613,724 alleles (0.017%); highest among the groups gnomAD compares: African/African-American, 0.3%; 1 homozygote.

Submissions (3):

Labcorp Genetics (formerly Invitae), Labcorp
Classification: Benign. Last evaluated: 2025-08-03. Review status: criteria provided, single submitter. Criteria: Invitae Variant Classification Sherloc (09022015). Collection method: clinical testing. Allele origin: germline.

Blueprint Genetics
Classification: Likely benign. Last evaluated: 2024-09-23. Review status: criteria provided, single submitter. Criteria: ACMG Guidelines, 2015. Collection method: clinical testing. Allele origin: germline.

PreventionGenetics, part of Exact Sciences
Classification: Likely benign for ADCY3-related condition. Last evaluated: 2021-04-07. Review status: no assertion criteria provided. Collection method: clinical testing. Allele origin: germline. Not counted in ClinVar's aggregate classification.
Comment: This variant is classified as likely benign based on ACMG/AMP sequence variant interpretation guidelines (Richards et al. 2015 PMID: 25741868, with internal and published modifications).

NM_004036.5(ADCY3):c.3390T>C (p.Asn1130=)

Genes: ADCY3 (adenylate cyclase 3; minus strand), CENPO (centromere protein O; plus strand). Cytogenetic location: 2p23.3.
Variant type: single nucleotide variant.
Coding change: c.3390T>C on transcript NM_004036.5 (MANE Select); coding-DNA position 3390, T replaced by C.
Protein change: p.Asn1130=; no amino-acid change (asparagine 1130 retained).
Molecular consequence: synonymous variant. On other transcripts: 3 prime UTR variant (4), non-coding transcript variant (3).
Genome position (GRCh38, 1-based): chr2:24,819,977, A>G on the plus strand (T>C on the coding strand, the complement: ADCY3 is on the minus strand). VCF-style: chr2-24819977-A-G. GRCh37 (hg19) VCF-style: chr2-25042846-A-G.
Other names: c.3393T>C, p.Asn1131= (NM_001320613.2); c.3456T>C, p.Asn1152= (NM_001377128.1); c.3252T>C, p.Asn1084= (NM_001377129.1); c.*131T>C (NM_001377130.1); c.2667T>C, p.Asn889= (NM_001377131.1); c.3390T>C, p.Asn1130= (NM_001377132.1); c.*659A>G (NM_001199803.3, NM_001322101.2, NM_024322.4).
Identifiers: ClinVar variation 1580210 (VCV001580210.11), dbSNP rs142510036, ClinGen allele CA1553404.